The following is an entry in ClinVar:

ClinVar aggregate classification (germline): Pathogenic (1 of 4 stars; one submission).

Conditions:
VPS13A-related neurodegenerative disease. Also called: ACANTHOCYTOSIS WITH NEUROLOGIC DISORDER; LEVINE-CRITCHLEY SYNDROME; Choreoacanthocytosis; Chorea-acanthocytosis; Choreaacanthocytosis; VPS13A Disease. Identifiers: Orphanet 2388, MedGen C0393576, MONDO:0008695, OMIM 200150.

Submission:

Myriad Genetics, Inc.
Classification: Pathogenic for VPS13A-related neurodegenerative disease. Last evaluated: 2024-05-14. Review status: criteria provided, single submitter. Criteria: Myriad Autosomal Dominant, Autosomal Recessive and X-Linked Classification Criteria (2023). Collection method: clinical testing. Allele origin: unknown.
Comment: NM_033305.2(VPS13A):c.6297_6298ins14(D2100Qfs*4) is expected to be pathogenic in the context of VPS13A disease. This variant is predicted to lead to an abnormal or absent protein product due to the creation of a premature termination codon in VPS13A, a gene where loss-of-function variants are known to be pathogenic. Please note: this variant was assessed in the context of healthy population screening.

NM_033305.3(VPS13A):c.6297_6298insCAATGGAAATAAGG (p.Asp2100delinsGlnTrpLysTer)

Gene: VPS13A (vacuolar protein sorting 13 homolog A; plus strand). Cytogenetic location: 9q21.2.
Variant type: Insertion.
Coding change: c.6297_6298insCAATGGAAATAAGG on transcript NM_033305.3 (MANE Select); coding-DNA positions 6297 to 6298, CAATGGAAATAAGG inserted.
Protein change: p.Asp2100delinsGlnTrpLysTer.
Molecular consequence: nonsense.
Genome position: GRCh38 VCF-style: chr9-77337454-T-TGGCAATGGAAATAA. GRCh37 (hg19) VCF-style: chr9-79952370-T-TGGCAATGGAAATAA.
Other names: c.6180_6181insCAATGGAAATAAGG, p.Asp2061delinsGlnTrpLysTer (NM_001018037.2); c.6297_6298insCAATGGAAATAAGG, p.Asp2100delinsGlnTrpLysTer (NM_001018038.3, NM_015186.4).
Identifiers: ClinVar variation 5011090 (VCV005011090.1).